The following is an entry in ClinVar:

ClinVar aggregate classification (germline): Likely pathogenic (1 of 4 stars; one submission).

Conditions:
X-linked agammaglobulinemia with growth hormone deficiency (IGHD3). Also called: FLEISHER SYNDROME; HYPOGAMMAGLOBULINEMIA AND ISOLATED GROWTH HORMONE DEFICIENCY, X-LINKED; IGHD III; AGAMMAGLOBULINEMIA AND ISOLATED GROWTH HORMONE DEFICIENCY, X-LINKED; Isolated growth hormone deficiency type 3; Growth hormone deficiency with hypogammaglobulinemia. Identifiers: Orphanet 231692, Orphanet 631, MedGen C0472813, MONDO:0010615, OMIM 307200.

Submission:

Labcorp Genetics (formerly Invitae), Labcorp
Classification: Likely pathogenic for X-linked agammaglobulinemia with growth hormone deficiency. Last evaluated: 2022-09-14. Review status: criteria provided, single submitter. Criteria: Invitae Variant Classification Sherloc (09022015). Collection method: clinical testing. Allele origin: germline.
Comment: In summary, the currently available evidence indicates that the variant is pathogenic, but additional data are needed to prove that conclusively. Therefore, this variant has been classified as Likely Pathogenic. This sequence change replaces tyrosine, which is neutral and polar, with cysteine, which is neutral and slightly polar, at codon 152 of the BTK protein (p.Tyr152Cys). This variant is not present in population databases (gnomAD no frequency). This missense change has been observed in individuals with agammaglobulinemia (PMID: 16943681; Invitae). This variant is also known as c.587A>G. Advanced modeling of protein sequence and biophysical properties (such as structural, functional, and spatial information, amino acid conservation, physicochemical variation, residue mobility, and thermodynamic stability) performed at Invitae indicates that this missense variant is expected to disrupt BTK protein function.

Literature cited by the submitters: PubMed 16943681.

NM_000061.3(BTK):c.455A>G (p.Tyr152Cys)

Gene: BTK (Bruton tyrosine kinase; minus strand). Cytogenetic location: Xq22.1.
Variant type: single nucleotide variant.
Coding change: c.455A>G on transcript NM_000061.3 (MANE Select); coding-DNA position 455, A replaced by G.
Protein change: p.Tyr152Cys; replaces tyrosine 152 with cysteine.
Molecular consequence: missense variant.
Genome position (GRCh38, 1-based): chrX:101,362,626, T>C on the plus strand (A>G on the coding strand, the complement: BTK is on the minus strand). VCF-style: chrX-101362626-T-C. GRCh37 (hg19) VCF-style: chrX-100617614-T-C.
Other names: c.557A>G, p.Tyr186Cys (NM_001287344.2); c.455A>G, p.Tyr152Cys (NM_001287345.2); short protein forms Y152C, Y186C.
Identifiers: ClinVar variation 2138656 (VCV002138656.4), dbSNP rs2520611436, ClinGen allele CA413935348.